The following is an entry in ClinVar:

NM_003001.5(SDHC):c.226dup (p.Ile76fs)

Gene: SDHC (succinate dehydrogenase complex subunit C; plus strand). Cytogenetic location: 1q23.3.
Variant type: Duplication.
Coding change: c.226dup on transcript NM_003001.5 (MANE Select); coding-DNA position 226, one base duplicated (A; older notation c.226dupA).
Protein change: p.Ile76fs; shifts the reading frame from isoleucine 76.
Molecular consequence: frameshift variant. On other transcripts: non-coding transcript variant (1).
Genome position (GRCh38, 1-based): chr1:161,340,640, A duplicated. VCF-style (leftmost placement, unchanged base first): chr1-161340639-T-TA. GRCh37 (hg19) VCF-style: chr1-161310429-T-TA.
Other names: c.226dup, p.Ile76fs (NM_001035511.3); c.124dup, p.Ile42fs (NM_001035512.3, NM_001278172.3, NM_001407118.1); c.67dup, p.Ile23fs (NM_001035513.3); c.346dup, p.Ile116fs (NM_001407115.1); c.169dup, p.Ile57fs (NM_001407116.1, NM_001407117.1, NM_001407121.1); c.115dup, p.Ile39fs (NM_001407119.1, NM_001407120.1); short protein forms I116fs, I23fs, I39fs, I42fs, I57fs, I76fs.
Identifiers: ClinVar variation 3379244 (VCV003379244.1).

ClinVar aggregate classification (germline): Pathogenic (1 of 4 stars; one submission).

Conditions:
Pheochromocytoma/paraganglioma syndrome 3. Also called: GLOMUS TUMORS, FAMILIAL, 3; Paragangliomas 3; SDHC-Related Hereditary Paraganglioma-Pheochromocytoma Syndrome (Paragangliomas 3); SDHC-Related Hereditary Paraganglioma-Pheochromocytoma Syndrome. Identifiers: Orphanet 29072, MedGen C1854336, MONDO:0011544, OMIM 605373.

Submission:

Myriad Genetics, Inc.
Classification: Pathogenic for Pheochromocytoma/paraganglioma syndrome 3. Last evaluated: 2024-07-18. Review status: criteria provided, single submitter. Criteria: Myriad Autosomal Dominant, Autosomal Recessive and X-Linked Classification Criteria (2023). Collection method: clinical testing. Allele origin: unknown.
Comment: This variant is considered pathogenic. This variant creates a frameshift predicted to result in premature protein truncation.